The following is an entry in ClinVar:

ClinVar aggregate classification (germline): Uncertain significance. Review status: criteria provided, multiple submitters, no conflicts (2 of 4 stars). 3 submissions from 3 submitters: Uncertain significance (3). Last evaluated 2025-12-29.

Conditions:
IMPG1-related disorder. Also called: IMPG1-related condition.

Allele frequency attached by ClinVar (database versions not stated): ExAC 0.00002; gnomAD exomes 0.00002 and 0.00004; TOPMed 0.00004; gnomAD 0.00005.
gnomAD v4.1: 62 of 1,614,052 alleles (0.0038%); highest among the groups gnomAD compares: South Asian, 0.013%; 1 homozygote.

Submissions (3):

Labcorp Genetics (formerly Invitae), Labcorp
Classification: Uncertain significance. Last evaluated: 2025-12-29. Review status: criteria provided, single submitter. Criteria: Invitae Variant Classification Sherloc (09022015). Collection method: clinical testing. Allele origin: germline.
Comment: This sequence change replaces glycine, which is neutral and non-polar, with serine, which is neutral and polar, at codon 724 of the IMPG1 protein (p.Gly724Ser). This variant is present in population databases (rs200519078, gnomAD 0.006%). This variant has not been reported in the literature in individuals affected with IMPG1-related conditions. ClinVar contains an entry for this variant (Variation ID: 959052). An algorithm developed to predict the effect of missense changes on protein structure and function (PolyPhen-2) suggests that this variant is likely to be tolerated. In summary, the available evidence is currently insufficient to determine the role of this variant in disease. Therefore, it has been classified as a Variant of Uncertain Significance.

PreventionGenetics, part of Exact Sciences
Classification: Uncertain significance for IMPG1-related condition. Last evaluated: 2024-12-04. Review status: criteria provided, single submitter. Criteria: ACMG Guidelines, 2015. Collection method: clinical testing. Allele origin: germline.
Comment: The IMPG1 c.2170G>A variant is predicted to result in the amino acid substitution p.Gly724Ser. To our knowledge, this variant has not been reported in the literature. This variant is present in 0.0098% of alleles in individuals of South Asian descent in gnomAD. At this time, the clinical significance of this variant is uncertain due to the absence of conclusive functional and genetic evidence.

Ambry Genetics
Classification: Uncertain significance. Last evaluated: 2023-05-16. Review status: criteria provided, single submitter. Criteria: Ambry Variant Classification Scheme 2023. Collection method: clinical testing. Allele origin: germline.

NM_001563.4(IMPG1):c.2170G>A (p.Gly724Ser)

Gene: IMPG1 (interphotoreceptor matrix proteoglycan 1; minus strand). Cytogenetic location: 6q14.1.
Variant type: single nucleotide variant.
Coding change: c.2170G>A on transcript NM_001563.4 (MANE Select); coding-DNA position 2170, G replaced by A.
Protein change: p.Gly724Ser; replaces glycine 724 with serine.
Molecular consequence: missense variant.
Genome position (GRCh38, 1-based): chr6:75,931,026, C>T on the plus strand (G>A on the coding strand, the complement: IMPG1 is on the minus strand). VCF-style: chr6-75931026-C-T. GRCh37 (hg19) VCF-style: chr6-76640743-C-T.
Other names: c.1936G>A, p.Gly646Ser (NM_001282368.2); c.2170G>A (NM_001563.2); short protein forms G646S, G724S.
Identifiers: ClinVar variation 959052 (VCV000959052.13), dbSNP rs200519078, ClinGen allele CA3897912.